The following is an entry in ClinVar:

ClinVar aggregate classification (germline): Likely benign. Review status: criteria provided, multiple submitters, no conflicts (2 of 4 stars). 3 submissions from 3 submitters: Likely benign (2). 1 of the submissions does not count toward it. Last evaluated 2025-03-15.

Conditions:
CYP7B1-related disorder. Also called: CYP7B1-related condition.
Spastic paraplegia. Identifiers: MedGen C0037772, HP:0001258.

Allele frequency attached by ClinVar (database versions not stated): gnomAD exomes 0.00004; ExAC 0.00005; gnomAD 0.00006; TOPMed 0.00006; ESP Exome Variant Server 0.00023.
gnomAD v4.1: 123 of 1,613,664 alleles (0.0076%); highest among the groups gnomAD compares: Middle Eastern, 0.049%; no homozygotes.

Submissions (3):

Labcorp Genetics (formerly Invitae), Labcorp
Classification: Likely benign for Spastic paraplegia. Last evaluated: 2025-03-15. Review status: criteria provided, single submitter. Criteria: Invitae Variant Classification Sherloc (09022015). Collection method: clinical testing. Allele origin: germline.

Blueprint Genetics
Classification: Likely benign. Last evaluated: 2024-05-29. Review status: criteria provided, single submitter. Criteria: ACMG Guidelines, 2015. Collection method: clinical testing. Allele origin: germline.

PreventionGenetics, part of Exact Sciences
Classification: Likely benign for CYP7B1-related condition. Last evaluated: 2022-02-22. Review status: no assertion criteria provided. Collection method: clinical testing. Allele origin: germline. Not counted in ClinVar's aggregate classification.
Comment: This variant is classified as likely benign based on ACMG/AMP sequence variant interpretation guidelines (Richards et al. 2015 PMID: 25741868, with internal and published modifications).

NM_004820.5(CYP7B1):c.543T>C (p.Tyr181=)

Gene: CYP7B1 (cytochrome P450 family 7 subfamily B member 1; minus strand). Cytogenetic location: 8q12.3.
Variant type: single nucleotide variant.
Coding change: c.543T>C on transcript NM_004820.5 (MANE Select); coding-DNA position 543, T replaced by C.
Protein change: p.Tyr181=; no amino-acid change (tyrosine 181 retained).
Molecular consequence: synonymous variant.
Genome position (GRCh38, 1-based): chr8:64,615,998, A>G on the plus strand (T>C on the coding strand, the complement: CYP7B1 is on the minus strand). VCF-style: chr8-64615998-A-G. GRCh37 (hg19) VCF-style: chr8-65528555-A-G.
Other names: c.543T>C (NM_004820.4); c.543T>C, p.Tyr181= (NM_001324112.2).
Identifiers: ClinVar variation 696511 (VCV000696511.13), dbSNP rs367723235, ClinGen allele CA4764187.